The following is an entry in ClinVar:

NM_004333.6(BRAF):c.270T>A (p.Asp90Glu)

Gene: BRAF (B-Raf proto-oncogene, serine/threonine kinase; minus strand). Cytogenetic location: 7q34.
Variant type: single nucleotide variant.
Coding change: c.270T>A on transcript NM_004333.6 (MANE Select); coding-DNA position 270, T replaced by A.
Protein change: p.Asp90Glu; replaces aspartic acid 90 with glutamic acid.
Molecular consequence: missense variant. On other transcripts: intron variant (1).
Genome position (GRCh38, 1-based): chr7:140,834,843, A>T on the plus strand (T>A on the coding strand, the complement: BRAF is on the minus strand). VCF-style: chr7-140834843-A-T. GRCh37 (hg19) VCF-style: chr7-140534643-A-T.
Other names: c.270T>A, p.Asp90Glu (NM_001354609.2, NM_001374244.1, NM_001374258.1 and 5 more transcripts); c.168T>A, p.Asp56Glu (NM_001378470.1); c.114T>A, p.Asp38Glu (NM_001378472.1, NM_001378473.1); c.240+15268T>A (NM_001378475.1); short protein forms D38E, D56E, D90E.
Identifiers: ClinVar variation 3636772 (VCV003636772.2).

ClinVar aggregate classification (germline): Uncertain significance (1 of 4 stars; one submission).

Conditions:
RASopathy. Also called: Noonan spectrum disorder; rasopathies. Identifiers: Orphanet 536391, MedGen C5555857, MONDO:0021060.

Submission:

Labcorp Genetics (formerly Invitae), Labcorp
Classification: Uncertain significance for RASopathy. Last evaluated: 2025-01-14. Review status: criteria provided, single submitter. Criteria: Invitae Variant Classification Sherloc (09022015). Collection method: clinical testing. Allele origin: germline.
Comment: This sequence change replaces aspartic acid, which is acidic and polar, with glutamic acid, which is acidic and polar, at codon 90 of the BRAF protein (p.Asp90Glu). This variant is not present in population databases (gnomAD no frequency). This variant has not been reported in the literature in individuals affected with BRAF-related conditions. Invitae Evidence Modeling of protein sequence and biophysical properties (such as structural, functional, and spatial information, amino acid conservation, physicochemical variation, residue mobility, and thermodynamic stability) has been performed for this missense variant. However, the output from this modeling did not meet the statistical confidence thresholds required to predict the impact of this variant on BRAF protein function. In summary, the available evidence is currently insufficient to determine the role of this variant in disease. Therefore, it has been classified as a Variant of Uncertain Significance.